The following is an entry in ClinVar:

ClinVar aggregate classification (germline): Uncertain significance (1 of 4 stars; one submission).

Conditions:
Hereditary cancer-predisposing syndrome. Also called: Neoplastic Syndromes, Hereditary; Tumor predisposition; Hereditary neoplastic syndrome; Hereditary Cancer Syndrome. Identifiers: Orphanet 140162, MedGen C0027672, MeSH D009386, MONDO:0015356.

Submission:

Ambry Genetics
Classification: Uncertain significance for Hereditary cancer-predisposing syndrome. Last evaluated: 2024-05-11. Review status: criteria provided, single submitter. Criteria: Ambry Variant Classification Scheme 2023. Collection method: clinical testing. Allele origin: germline.
Comment: The p.S649R variant (also known as c.1947C>G), located in coding exon 14 of the PTCH1 gene, results from a C to G substitution at nucleotide position 1947. The serine at codon 649 is replaced by arginine, an amino acid with dissimilar properties. This amino acid position is conserved. In addition, the in silico prediction for this alteration is inconclusive. Based on the available evidence, the clinical significance of this variant remains unclear.

NM_000264.5(PTCH1):c.1947C>G (p.Ser649Arg)

Genes: PTCH1 (patched 1; minus strand), LOC100507346 (uncharacterized LOC100507346; plus strand). Cytogenetic location: 9q22.32.
Variant type: single nucleotide variant.
Coding change: c.1947C>G on transcript NM_000264.5 (MANE Select); coding-DNA position 1947, C replaced by G.
Protein change: p.Ser649Arg; replaces serine 649 with arginine.
Molecular consequence: missense variant. On other transcripts: non-coding transcript variant (2).
Genome position (GRCh38, 1-based): chr9:95,469,054, G>C on the plus strand (C>G on the coding strand, the complement: PTCH1 is on the minus strand). VCF-style: chr9-95469054-G-C. GRCh37 (hg19) VCF-style: chr9-98231336-G-C.
Other names: c.1749C>G, p.Ser583Arg (NM_001083602.3); c.1944C>G, p.Ser648Arg (NM_001083603.3); c.1494C>G, p.Ser498Arg (NM_001083604.3, NM_001083605.3, NM_001083606.3 and 1 more transcripts); c.1791C>G, p.Ser597Arg (NM_001354918.2); short protein forms S583R, S649R, S498R, S597R, S648R.
Identifiers: ClinVar variation 3311180 (VCV003311180.1).